The following is an entry in ClinVar:

ClinVar aggregate classification (germline): Conflicting classifications of pathogenicity. Review status: criteria provided, conflicting classifications (1 of 4 stars). 3 submissions from 3 submitters: Uncertain significance (2); Likely benign (1). Last evaluated 2024-11-09.

Conditions:
Atrial fibrillation, familial, 14 (ATFB14). Identifiers: MedGen C3809312, MONDO:0014156, OMIM 615378.
Cardiovascular phenotype. Identifiers: MedGen CN230736.

Allele frequency attached by ClinVar (database versions not stated): gnomAD exomes 0.00005; ExAC 0.00007; gnomAD 0.00007 and 0.00008; ESP Exome Variant Server 0.00015; 1000 Genomes Project 30x 0.00016; 1000 Genomes Project 0.00020.
gnomAD v4.1: 154 of 1,613,992 alleles (0.0095%); highest among the groups gnomAD compares: Non-Finnish European, 0.012%; no homozygotes.

Submissions (3):

Labcorp Genetics (formerly Invitae), Labcorp
Classification: Uncertain significance for Atrial fibrillation, familial, 14. Last evaluated: 2024-11-09. Review status: criteria provided, single submitter. Criteria: Invitae Variant Classification Sherloc (09022015). Collection method: clinical testing. Allele origin: germline.
Comment: This sequence change replaces alanine, which is neutral and non-polar, with threonine, which is neutral and polar, at codon 214 of the SCN2B protein (p.Ala214Thr). This variant is present in population databases (rs200264107, gnomAD 0.009%). This variant has not been reported in the literature in individuals affected with SCN2B-related conditions. ClinVar contains an entry for this variant (Variation ID: 947137). An algorithm developed to predict the effect of missense changes on protein structure and function outputs the following: PolyPhen-2: "Benign". The threonine amino acid residue is found in multiple mammalian species, which suggests that this missense change does not adversely affect protein function. In summary, the available evidence is currently insufficient to determine the role of this variant in disease. Therefore, it has been classified as a Variant of Uncertain Significance.

Ambry Genetics
Classification: Likely benign for Cardiovascular phenotype. Last evaluated: 2022-04-19. Review status: criteria provided, single submitter. Criteria: Ambry Variant Classification Scheme 2023. Collection method: clinical testing. Allele origin: germline.

Fulgent Genetics
Classification: Uncertain significance for Atrial fibrillation, familial, 14. Last evaluated: 2021-10-28. Review status: criteria provided, single submitter. Criteria: ACMG Guidelines, 2015. Collection method: clinical testing. Allele origin: unknown.

NM_004588.5(SCN2B):c.640G>A (p.Ala214Thr)

Gene: SCN2B (sodium voltage-gated channel beta subunit 2; minus strand). Cytogenetic location: 11q23.3.
Variant type: single nucleotide variant.
Coding change: c.640G>A on transcript NM_004588.5 (MANE Select); coding-DNA position 640, G replaced by A.
Protein change: p.Ala214Thr; replaces alanine 214 with threonine.
Molecular consequence: missense variant.
Genome position (GRCh38, 1-based): chr11:118,166,895, C>T on the plus strand (G>A on the coding strand, the complement: SCN2B is on the minus strand). VCF-style: chr11-118166895-C-T. GRCh37 (hg19) VCF-style: chr11-118037610-C-T.
Other names: short protein forms A214T.
Identifiers: ClinVar variation 947137 (VCV000947137.12), dbSNP rs200264107, ClinGen allele CA6300388.